The following is an entry in ClinVar:

NM_002246.3(KCNK3):c.894C>A (p.Asn298Lys)

Gene: KCNK3 (potassium two pore domain channel subfamily K member 3; plus strand). Cytogenetic location: 2p23.3.
Variant type: single nucleotide variant.
Coding change: c.894C>A on transcript NM_002246.3 (MANE Select); coding-DNA position 894, C replaced by A.
Protein change: p.Asn298Lys; replaces asparagine 298 with lysine.
Molecular consequence: missense variant.
Genome position (GRCh38, 1-based): chr2:26,728,277, C>A. VCF-style: chr2-26728277-C-A. GRCh37 (hg19) VCF-style: chr2-26951145-C-A.
Other names: short protein forms N298K.
Identifiers: ClinVar variation 1404432 (VCV001404432.8), dbSNP rs765638250, ClinGen allele CA1565569.

ClinVar aggregate classification (germline): Uncertain significance (1 of 4 stars; one submission).

Conditions:
Pulmonary hypertension, primary, 4. Identifiers: Orphanet 422, MedGen C3809198, MONDO:0014136, OMIM 615344.

Allele frequency attached by ClinVar (database versions not stated): gnomAD 0.00001; gnomAD exomes 0.00001.
gnomAD v4.1: 10 of 1,593,376 alleles (0.00063%); highest among the groups gnomAD compares: Non-Finnish European, 0.000085%; no homozygotes.

Submission:

Labcorp Genetics (formerly Invitae), Labcorp
Classification: Uncertain significance for Pulmonary hypertension, primary, 4. Last evaluated: 2022-03-08. Review status: criteria provided, single submitter. Criteria: Invitae Variant Classification Sherloc (09022015). Collection method: clinical testing. Allele origin: germline.
Comment: This sequence change replaces asparagine, which is neutral and polar, with lysine, which is basic and polar, at codon 298 of the KCNK3 protein (p.Asn298Lys). In summary, the available evidence is currently insufficient to determine the role of this variant in disease. Therefore, it has been classified as a Variant of Uncertain Significance. Algorithms developed to predict the effect of missense changes on protein structure and function (SIFT, PolyPhen-2, Align-GVGD) all suggest that this variant is likely to be tolerated. This variant has not been reported in the literature in individuals affected with KCNK3-related conditions. The frequency data for this variant in the population databases is considered unreliable, as metrics indicate poor data quality at this position in the gnomAD database.